The following is an entry in ClinVar:

ClinVar aggregate classification (germline): Likely benign (1 of 4 stars; one submission).

Conditions:
TUBA4A-related disorder. Also called: TUBA4A-related condition.

Submission:

PreventionGenetics, part of Exact Sciences
Classification: Likely benign for TUBA4A-related condition. Last evaluated: 2025-02-13. Review status: criteria provided, single submitter. Criteria: ACMG Guidelines, 2015. Collection method: clinical testing. Allele origin: germline.
Comment: This variant is classified as likely benign based on ACMG/AMP sequence variant interpretation guidelines (Richards et al. 2015 PMID: 25741868, with internal and published modifications).

NM_006000.3(TUBA4A):c.915T>C (p.Cys305=)

Gene: TUBA4A (tubulin alpha 4a; minus strand). Cytogenetic location: 2q35.
Variant type: single nucleotide variant.
Coding change: c.915T>C on transcript NM_006000.3 (MANE Select); coding-DNA position 915, T replaced by C.
Protein change: p.Cys305=; no amino-acid change (cysteine 305 retained).
Molecular consequence: synonymous variant.
Genome position (GRCh38, 1-based): chr2:219,250,784, A>G on the plus strand (T>C on the coding strand, the complement: TUBA4A is on the minus strand). VCF-style: chr2-219250784-A-G. GRCh37 (hg19) VCF-style: chr2-220115506-A-G.
Other names: c.870T>C, p.Cys290= (NM_001278552.2).
Identifiers: ClinVar variation 4990253 (VCV004990253.1).